The following is an entry in ClinVar:

ClinVar aggregate classification (germline): Pathogenic (1 of 4 stars; one submission).

Conditions:
MHC class II deficiency. Also called: BLS, TYPE II; Bare lymphocyte syndrome 2. Identifiers: Orphanet 572, MedGen C5447452, MONDO:0008855.

Submission:

Labcorp Genetics (formerly Invitae), Labcorp
Classification: Pathogenic for MHC class II deficiency. Last evaluated: 2021-10-12. Review status: criteria provided, single submitter. Criteria: Invitae Variant Classification Sherloc (09022015). Collection method: clinical testing. Allele origin: germline.
Comment: This variant disrupts a region of the CIITA protein in which other variant(s) (c.2888+1G>A, leading to in-frame deletion of exon 13) have been determined to be pathogenic (PMID: 8402893). This suggests that this is a clinically significant region of the protein, and that variants that disrupt it are likely to be disease-causing. For these reasons, this variant has been classified as Pathogenic. This variant has not been reported in the literature in individuals affected with CIITA-related conditions. This variant is a gross deletion of the genomic region encompassing exon(s) 11-19 of the CIITA gene, which includes the termination codon. This deletion extends beyond the assayed region for this gene and therefore may encompass additional genes. While this deletion is not anticipated to lead to nonsense mediated decay, it is expected to alter mRNA translation or result in a truncated protein product.

Literature cited by the submitters: PubMed 8402893.

NC_000016.9:g.(?_11000336)_(11017160_?)del

Gene: CIITA (class II major histocompatibility complex transactivator; plus strand). Cytogenetic location: 16p13.13.
Variant type: Deletion.
Identifiers: ClinVar variation 1400898 (VCV001400898.4).